The following is an entry in ClinVar:

ClinVar aggregate classification (germline): Uncertain significance. Review status: criteria provided, multiple submitters, no conflicts (2 of 4 stars). 3 submissions from 3 submitters: Uncertain significance (3). Last evaluated 2024-06-12.

Conditions:
Primary familial hypertrophic cardiomyopathy (HCM). Identifiers: Orphanet 99739, MedGen C0949658, MeSH D024741, MONDO:0024573. Inheritance: Various modes of inheritance.
Dilated cardiomyopathy 1AA (CMD1AA). Also called: CARDIOMYOPATHY, DILATED, 1AA, WITH OR WITHOUT LEFT VENTRICULAR NONCOMPACTION; CARDIOMYOPATHY, FAMILIAL HYPERTROPHIC, 23, WITH OR WITHOUT LEFT VENTRICULAR NONCOMPACTION; Cardiomyopathy, dilated, 1AA, with or without LVNC. Identifiers: Orphanet 154, MedGen C2677338, MONDO:0012808, OMIM 612158.
Cardiovascular phenotype. Identifiers: MedGen CN230736.

Allele frequency attached by ClinVar (database versions not stated): gnomAD 0.00001 and 0.00002; gnomAD exomes 0.00001 and 0.00002; ExAC 0.00002; TOPMed 0.00002.
gnomAD v4.1: 24 of 1,614,002 alleles (0.0015%); highest among the groups gnomAD compares: Non-Finnish European, 0.0014%; no homozygotes.

Submissions (3):

Labcorp Genetics (formerly Invitae), Labcorp
Classification: Uncertain significance for Primary familial hypertrophic cardiomyopathy; Dilated cardiomyopathy 1AA. Last evaluated: 2024-06-12. Review status: criteria provided, single submitter. Criteria: Invitae Variant Classification Sherloc (09022015). Collection method: clinical testing. Allele origin: germline.
Comment: This sequence change replaces glutamic acid, which is acidic and polar, with lysine, which is basic and polar, at codon 636 of the ACTN2 protein (p.Glu636Lys). This variant is present in population databases (rs780431842, gnomAD 0.01%). This variant has not been reported in the literature in individuals affected with ACTN2-related conditions. ClinVar contains an entry for this variant (Variation ID: 222484). An algorithm developed to predict the effect of missense changes on protein structure and function (PolyPhen-2) suggests that this variant is likely to be disruptive. In summary, the available evidence is currently insufficient to determine the role of this variant in disease. Therefore, it has been classified as a Variant of Uncertain Significance.

Blueprint Genetics
Classification: Uncertain significance. Last evaluated: 2023-04-21. Review status: criteria provided, single submitter. Criteria: ACMG Guidelines, 2015. Collection method: clinical testing. Allele origin: germline.

Ambry Genetics
Classification: Uncertain significance for Cardiovascular phenotype. Last evaluated: 2022-11-21. Review status: criteria provided, single submitter. Criteria: Ambry Variant Classification Scheme 2023. Collection method: clinical testing. Allele origin: germline.
Comment: The p.E636K variant (also known as c.1906G>A), located in coding exon 16 of the ACTN2 gene, results from a G to A substitution at nucleotide position 1906. The glutamic acid at codon 636 is replaced by lysine, an amino acid with similar properties. This amino acid position is highly conserved in available vertebrate species. In addition, this alteration is predicted to be deleterious by in silico analysis. Since supporting evidence is limited at this time, the clinical significance of this alteration remains unclear.

NM_001103.4(ACTN2):c.1906G>A (p.Glu636Lys)

Gene: ACTN2 (actinin alpha 2; plus strand). Cytogenetic location: 1q43.
Variant type: single nucleotide variant.
Coding change: c.1906G>A on transcript NM_001103.4 (MANE Select); coding-DNA position 1906, G replaced by A.
Protein change: p.Glu636Lys; replaces glutamic acid 636 with lysine.
Molecular consequence: missense variant.
Genome position (GRCh38, 1-based): chr1:236,754,013, G>A. VCF-style: chr1-236754013-G-A. GRCh37 (hg19) VCF-style: chr1-236917313-G-A.
Other names: c.1906G>A, p.Glu636Lys (NM_001278343.2); c.1282G>A, p.Glu428Lys (NM_001278344.2); short protein forms E636K, E428K.
Identifiers: ClinVar variation 222484 (VCV000222484.9), dbSNP rs780431842, ClinGen allele CA080487.